The following is an entry in ClinVar:

ClinVar aggregate classification (germline): Uncertain significance (1 of 4 stars; one submission).

Conditions:
Alpha-N-acetylgalactosaminidase deficiency type 1. Also called: SCHINDLER DISEASE, TYPE I; ALPHA-N-ACETYLGALACTOSAMINIDASE DEFICIENCY, TYPE I; NAGA DEFICIENCY, TYPE I; NEUROAXONAL DYSTROPHY, SCHINDLER TYPE. Identifiers: Orphanet 3137, Orphanet 79279, Orphanet 79281, MedGen C1836544, MONDO:0012221, OMIM 609241.

Allele frequency attached by ClinVar (database versions not stated): ExAC 0.00001; gnomAD 0.00001; TOPMed 0.00003.
gnomAD v4.1: 28 of 1,613,522 alleles (0.0017%); highest among the groups gnomAD compares: Admixed American, 0.005%; no homozygotes.

Submission:

Labcorp Genetics (formerly Invitae), Labcorp
Classification: Uncertain significance for Alpha-N-acetylgalactosaminidase deficiency type 1. Last evaluated: 2022-09-19. Review status: criteria provided, single submitter. Criteria: Invitae Variant Classification Sherloc (09022015). Collection method: clinical testing. Allele origin: germline.
Comment: This sequence change creates a premature translational stop signal (p.Arg381*) in the NAGA gene. While this is not anticipated to result in nonsense mediated decay, it is expected to disrupt the last 31 amino acid(s) of the NAGA protein. This variant is present in population databases (rs750450177, gnomAD 0.009%). This variant has not been reported in the literature in individuals affected with NAGA-related conditions. Experimental studies and prediction algorithms are not available or were not evaluated, and the functional significance of this variant is currently unknown. In summary, the available evidence is currently insufficient to determine the role of this variant in disease. Therefore, it has been classified as a Variant of Uncertain Significance.

NM_000262.3(NAGA):c.1141C>T (p.Arg381Ter)

Gene: NAGA (alpha-N-acetylgalactosaminidase; minus strand). Cytogenetic location: 22q13.2.
Variant type: single nucleotide variant.
Coding change: c.1141C>T on transcript NM_000262.3 (MANE Select); coding-DNA position 1141, C replaced by T.
Protein change: p.Arg381Ter; replaces arginine 381 with a stop codon.
Molecular consequence: nonsense.
Genome position (GRCh38, 1-based): chr22:42,060,374, G>A on the plus strand (C>T on the coding strand, the complement: NAGA is on the minus strand). VCF-style: chr22-42060374-G-A. GRCh37 (hg19) VCF-style: chr22-42456378-G-A.
Other names: c.1141C>T, p.Arg381Ter (NM_001362848.1, NM_001362850.1); short protein forms R381*.
Identifiers: ClinVar variation 2147414 (VCV002147414.1), dbSNP rs750450177, ClinGen allele CA10263575.